The following is an entry in ClinVar:

NM_000218.3(KCNQ1):c.250C>T (p.Pro84Ser)

Gene: KCNQ1 (potassium voltage-gated channel subfamily Q member 1; plus strand). Cytogenetic location: 11p15.5.
Variant type: single nucleotide variant.
Coding change: c.250C>T on transcript NM_000218.3 (MANE Select); coding-DNA position 250, C replaced by T.
Protein change: p.Pro84Ser; replaces proline 84 with serine.
Molecular consequence: missense variant.
Genome position (GRCh38, 1-based): chr11:2,445,348, C>T. VCF-style: chr11-2445348-C-T. GRCh37 (hg19) VCF-style: chr11-2466578-C-T.
Other names: short protein forms P84S.
Identifiers: ClinVar variation 948475 (VCV000948475.10), dbSNP rs1846021360, ClinGen allele CA379116953.
Genomic context (GRCh38, chr11:2,445,348, plus strand): 5'-CCTGCGTCCCCGGCCGCGCCCGCCGCGCCCCCAGTTGCCTCCGACCTTGGCCCGCGGCCG[C>T]CGGTGAGCCTAGACCCGCGCGTCTCCATCTACAGCACGCGCCGCCCGGTGTTGGCGCGCA-3'
Protein context (NP_000209.2, residues 74-94): PVASDLGPRP[Pro84Ser]VSLDPRVSIY

ClinVar aggregate classification (germline): Uncertain significance (1 of 4 stars; one submission).

Conditions:
Long QT syndrome (LQTS). Identifiers: MedGen C0023976, MeSH D008133, MONDO:0002442. Disease mechanism: loss of function. Inheritance: Various modes of inheritance.

Allele frequency attached by ClinVar (database versions not stated): gnomAD exomes below 0.00001.
gnomAD v4.1: 2 of 1,593,754 alleles (0.00013%); highest among the groups gnomAD compares: Non-Finnish European, 0.000085%; no homozygotes.

Submission:

Labcorp Genetics (formerly Invitae), Labcorp
Classification: Uncertain significance for Long QT syndrome. Last evaluated: 2021-02-18. Review status: criteria provided, single submitter. Criteria: Invitae Variant Classification Sherloc (09022015). Collection method: clinical testing. Allele origin: germline.
Comment: In summary, the available evidence is currently insufficient to determine the role of this variant in disease. Therefore, it has been classified as a Variant of Uncertain Significance. Algorithms developed to predict the effect of missense changes on protein structure and function (SIFT, PolyPhen-2, Align-GVGD) all suggest that this variant is likely to be tolerated, but these predictions have not been confirmed by published functional studies and their clinical significance is uncertain. This variant has not been reported in the literature in individuals with KCNQ1-related conditions. This variant is not present in population databases (ExAC no frequency). This sequence change replaces proline with serine at codon 84 of the KCNQ1 protein (p.Pro84Ser). The proline residue is weakly conserved and there is a moderate physicochemical difference between proline and serine.